The following is an entry in ClinVar:

ClinVar aggregate classification (germline): Uncertain significance (1 of 4 stars; one submission).

Conditions:
Meckel-Gruber syndrome. Also called: DYSENCEPHALIA SPLANCHNOCYSTICA; GRUBER SYNDROME; Dysencephalia splachnocystica. Identifiers: Orphanet 564, MedGen C0265215, MONDO:0018921.
Joubert syndrome. Also called: CEREBELLOPARENCHYMAL DISORDER IV; JOUBERT-BOLTSHAUSER SYNDROME; Familial aplasia of the vermis. Identifiers: Orphanet 475, MedGen C5979921, MONDO:0018772.

Submission:

Labcorp Genetics (formerly Invitae), Labcorp
Classification: Uncertain significance for Joubert syndrome; Meckel-Gruber syndrome. Last evaluated: 2022-09-27. Review status: criteria provided, single submitter. Criteria: Invitae Variant Classification Sherloc (09022015). Collection method: clinical testing. Allele origin: germline.
Comment: In summary, the available evidence is currently insufficient to determine the role of this variant in disease. Therefore, it has been classified as a Variant of Uncertain Significance. Advanced modeling of protein sequence and biophysical properties (such as structural, functional, and spatial information, amino acid conservation, physicochemical variation, residue mobility, and thermodynamic stability) performed at Invitae indicates that this missense variant is not expected to disrupt MKS1 protein function. ClinVar contains an entry for this variant (Variation ID: 1469364). This variant has not been reported in the literature in individuals affected with MKS1-related conditions. This variant is not present in population databases (gnomAD no frequency). This sequence change replaces leucine, which is neutral and non-polar, with phenylalanine, which is neutral and non-polar, at codon 311 of the MKS1 protein (p.Leu311Phe).

NM_017777.4(MKS1):c.931C>T (p.Leu311Phe)

Gene: MKS1 (MKS transition zone complex subunit 1; minus strand). Cytogenetic location: 17q22.
Variant type: single nucleotide variant.
Coding change: c.931C>T on transcript NM_017777.4 (MANE Select); coding-DNA position 931, C replaced by T.
Protein change: p.Leu311Phe; replaces leucine 311 with phenylalanine.
Molecular consequence: missense variant.
Genome position (GRCh38, 1-based): chr17:58,211,007, G>A on the plus strand (C>T on the coding strand, the complement: MKS1 is on the minus strand). VCF-style: chr17-58211007-G-A. GRCh37 (hg19) VCF-style: chr17-56288368-G-A.
Other names: c.322C>T, p.Leu108Phe (NM_001321268.2); c.931C>T, p.Leu311Phe (NM_001321269.2, NM_001330397.2); short protein forms L311F, L108F.
Identifiers: ClinVar variation 1469364 (VCV001469364.8), dbSNP rs2143777929, ClinGen allele CA400326147.